The following is an entry in ClinVar:

ClinVar aggregate classification (germline): Likely benign (1 of 4 stars; one submission).

Submission:

CeGaT Center for Human Genetics Tuebingen
Classification: Likely benign. Last evaluated: 2025-02-01. Review status: criteria provided, single submitter. Criteria: CeGaT Center For Human Genetics Tuebingen Variant Classification Criteria Version 2. Collection method: clinical testing. Allele origin: germline. Affected: yes. Observed: 1 variant allele.
Comment: KRTAP10-4: BP4, BP7

NM_198687.2(KRTAP10-4):c.513G>A (p.Ser171=)

Genes: KRTAP10-4 (keratin associated protein 10-4; plus strand), TSPEAR (thrombospondin type laminin G domain and EAR repeats; minus strand). Cytogenetic location: 21q22.3.
Variant type: single nucleotide variant.
Coding change: c.513G>A on transcript NM_198687.2 (MANE Select); coding-DNA position 513, G replaced by A.
Protein change: p.Ser171=; no amino-acid change (serine 171 retained).
Molecular consequence: synonymous variant. On other transcripts: intron variant (2).
Genome position (GRCh38, 1-based): chr21:44,574,271, G>A. VCF-style: chr21-44574271-G-A. GRCh37 (hg19) VCF-style: chr21-45994148-G-A.
Other names: c.83-6266C>T (NM_144991.3); c.-122-6266C>T (NM_001272037.2).
Identifiers: ClinVar variation 3771347 (VCV003771347.13).